The following is an entry in ClinVar:

ClinVar aggregate classification (germline): Likely benign (1 of 4 stars; one submission).

Allele frequency attached by ClinVar (database versions not stated): ExAC 0.00001.
gnomAD v4.1: 13 of 1,613,830 alleles (0.00081%); highest among the groups gnomAD compares: East Asian, 0.0022%; no homozygotes.

Submission:

CeGaT Center for Human Genetics Tuebingen
Classification: Likely benign. Last evaluated: 2023-03-01. Review status: criteria provided, single submitter. Criteria: CeGaT Center For Human Genetics Tuebingen Variant Classification Criteria Version 2. Collection method: clinical testing. Allele origin: germline. Affected: yes. Observed: 1 variant allele.
Comment: DMBT1: BP4, BP7

NM_001377530.1(DMBT1):c.2949G>A (p.Ser983=)

Gene: DMBT1 (deleted in malignant brain tumors 1; plus strand). Cytogenetic location: 10q26.13.
Variant type: single nucleotide variant.
Coding change: c.2949G>A on transcript NM_001377530.1 (MANE Select); coding-DNA position 2949, G replaced by A.
Protein change: p.Ser983=; no amino-acid change (serine 983 retained).
Molecular consequence: synonymous variant.
Genome position (GRCh38, 1-based): chr10:122,598,005, G>A. VCF-style: chr10-122598005-G-A. GRCh37 (hg19) VCF-style: chr10-124357521-G-A.
Other names: c.2949G>A, p.Ser983= (NM_001320644.2, NM_007329.3); c.1452G>A, p.Ser484= (NM_004406.3); c.2919G>A, p.Ser973= (NM_017579.3).
Identifiers: ClinVar variation 2640934 (VCV002640934.24), dbSNP rs764331560, ClinGen allele CA5727302.